The following is an entry in ClinVar:

ClinVar aggregate classification (germline): Uncertain significance (1 of 4 stars; one submission).

Submission:

Labcorp Genetics (formerly Invitae), Labcorp
Classification: Uncertain significance. Last evaluated: 2023-11-12. Review status: criteria provided, single submitter. Criteria: Invitae Variant Classification Sherloc (09022015). Collection method: clinical testing. Allele origin: unknown.
Comment: A gross deletion of the genomic region encompassing the full coding sequence of the GINS1 gene has been identified. The current clinical and genetic evidence is not sufficient to establish whether loss-of-function variants in GINS1 cause disease. The boundaries of this event are unknown as they extend beyond the assayed region for this gene and therefore may encompass additional genes. This variant has not been reported in the literature in individuals affected with GINS1-related conditions. In summary, the available evidence is currently insufficient to determine the role of this variant in disease. Therefore, it has been classified as a Variant of Uncertain Significance.

NC_000020.10:g.(?_25388397)_(25426627_?)del

Gene: GINS1 (GINS complex subunit 1; plus strand). Cytogenetic location: 20p11.21.
Variant type: Deletion.
Identifiers: ClinVar variation 3248342 (VCV003248342.1).